The following is an entry in ClinVar:

NM_000211.5(ITGB2):c.131C>T (p.Thr44Ile)

Gene: ITGB2 (integrin subunit beta 2; minus strand). Cytogenetic location: 21q22.3.
Variant type: single nucleotide variant.
Coding change: c.131C>T on transcript NM_000211.5 (MANE Select); coding-DNA position 131, C replaced by T.
Protein change: p.Thr44Ile; replaces threonine 44 with isoleucine.
Molecular consequence: missense variant. On other transcripts: 5 prime UTR variant (1).
Genome position (GRCh38, 1-based): chr21:44,910,300, G>A on the plus strand (C>T on the coding strand, the complement: ITGB2 is on the minus strand). VCF-style: chr21-44910300-G-A. GRCh37 (hg19) VCF-style: chr21-46330215-G-A.
Other names: c.131C>T, p.Thr44Ile (NM_001127491.3); c.-77C>T (NM_001303238.2); short protein forms T44I.
Identifiers: ClinVar variation 961752 (VCV000961752.8), dbSNP rs1601322083, ClinGen allele CA410480654.

ClinVar aggregate classification (germline): Uncertain significance (1 of 4 stars; one submission).

Conditions:
Leukocyte adhesion deficiency 1 (LAD1). Also called: LAD 1; Lymphocyte function-associated antigen 1 immunodeficiency; LFA 1 immunodeficiency; LEUKOCYTE ADHESION DEFICIENCY, TYPE I. Identifiers: Orphanet 2968, Orphanet 99842, MedGen C0398738, MONDO:0007293, OMIM 116920.

Allele frequency attached by ClinVar (database versions not stated): gnomAD exomes below 0.00001.
gnomAD v4.1: 5 of 1,614,082 alleles (0.00031%); highest among the groups gnomAD compares: Admixed American, 0.0067%; no homozygotes.

Submission:

Labcorp Genetics (formerly Invitae), Labcorp
Classification: Uncertain significance for Leukocyte adhesion deficiency 1. Last evaluated: 2022-03-24. Review status: criteria provided, single submitter. Criteria: Invitae Variant Classification Sherloc (09022015). Collection method: clinical testing. Allele origin: germline.
Comment: In summary, the available evidence is currently insufficient to determine the role of this variant in disease. Therefore, it has been classified as a Variant of Uncertain Significance. Algorithms developed to predict the effect of missense changes on protein structure and function are either unavailable or do not agree on the potential impact of this missense change (SIFT: "Tolerated"; PolyPhen-2: "Possibly Damaging"; Align-GVGD: "Class C0"). ClinVar contains an entry for this variant (Variation ID: 961752). This variant has not been reported in the literature in individuals affected with ITGB2-related conditions. This variant is not present in population databases (gnomAD no frequency). This sequence change replaces threonine, which is neutral and polar, with isoleucine, which is neutral and non-polar, at codon 44 of the ITGB2 protein (p.Thr44Ile).